The following is an entry in ClinVar:

NM_000193.4(SHH):c.431G>T (p.Arg144Leu)

Gene: SHH (sonic hedgehog signaling molecule; minus strand). Cytogenetic location: 7q36.3.
Variant type: single nucleotide variant.
Coding change: c.431G>T on transcript NM_000193.4 (MANE Select); coding-DNA position 431, G replaced by T.
Protein change: p.Arg144Leu; replaces arginine 144 with leucine.
Molecular consequence: missense variant. On other transcripts: non-coding transcript variant (2).
Genome position (GRCh38, 1-based): chr7:155,806,427, C>A on the plus strand (G>T on the coding strand, the complement: SHH is on the minus strand). VCF-style: chr7-155806427-C-A. GRCh37 (hg19) VCF-style: chr7-155599121-C-A.
Other names: c.170G>T, p.Arg57Leu (NM_001310462.2); short protein forms R144L, R57L.
Identifiers: ClinVar variation 3775127 (VCV003775127.1).

ClinVar aggregate classification (germline): Likely pathogenic (1 of 4 stars; one submission).

Conditions:
Solitary median maxillary central incisor syndrome. Also called: FUSED INCISORS; SINGLE CENTRAL MAXILLARY INCISOR; Solitary median maxillary central incisor; SMMCI SYNDROME; Single Central Incisor Syndrome. Identifiers: MedGen C1840235, MONDO:0007819, OMIM 147250, HP:0006315.

Submission:

Laboratory of Molecular Genetics, CHU Rennes
Classification: Likely pathogenic for Solitary median maxillary central incisor syndrome. Last evaluated: 2025-02-27. Review status: criteria provided, single submitter. Criteria: ACMG Guidelines, 2015. Collection method: clinical testing. Allele origin: paternal. Inheritance: Oligogenic inheritance. Affected: yes.
Comment: The NM_000193.4:c.431G>T, is a missense variant in SHH in the Hedgehog domain (PM1), absent from controls (PM2), predicted pathogenic by prediction tools (PP3).